The following is an entry in ClinVar:

ClinVar aggregate classification (germline): Conflicting classifications of pathogenicity. Review status: criteria provided, conflicting classifications (1 of 4 stars). 6 submissions from 6 submitters: Uncertain significance (5); Likely benign (1). Last evaluated 2026-07-22.

Conditions:
COQ6-related disorder. Also called: COQ6-related condition.
Familial steroid-resistant nephrotic syndrome with sensorineural deafness. Identifiers: Orphanet 280406, MedGen C3553349, MONDO:0013836, OMIM 614650.

Allele frequency attached by ClinVar (database versions not stated): gnomAD exomes 0.00020 and 0.00034; gnomAD 0.00024 and 0.00026; ESP Exome Variant Server 0.00023; ExAC 0.00031; TOPMed 0.00025.
gnomAD v4.1: 526 of 1,613,884 alleles (0.033%); highest among the groups gnomAD compares: Non-Finnish European, 0.043%; 1 homozygote.

Submissions (6):

PreventionGenetics, part of Exact Sciences
Classification: Uncertain significance for COQ6-related condition. Last evaluated: 2026-07-22. Review status: criteria provided, single submitter. Criteria: ACMG Guidelines, 2015. Collection method: clinical testing. Allele origin: germline.
Comment: The COQ6 c.346C>T variant is predicted to result in the amino acid substitution p.Arg116Trp. To our knowledge, this variant has not been reported in the literature. This variant is reported in 0.040% of alleles in individuals of European (Non-Finnish) descent in gnomAD. At this time, the clinical significance of this variant is uncertain due to the absence of conclusive functional and genetic evidence.

Mayo Clinic Laboratories, Mayo Clinic
Classification: Uncertain significance. Last evaluated: 2025-10-08. Review status: criteria provided, single submitter. Criteria: ACMG Guidelines, 2015. Collection method: clinical testing. Allele origin: germline. Observed: 4 variant alleles.
Comment: PM2_moderate

GeneDx
Classification: Uncertain significance. Last evaluated: 2025-06-27. Review status: criteria provided, single submitter. Criteria: GeneDx Variant Classification Process June 2021. Collection method: clinical testing. Allele origin: germline. Affected: yes.
Comment: In silico analysis supports that this missense variant has a deleterious effect on protein structure/function; Has not been previously published as pathogenic or benign to our knowledge; In silico analysis is inconclusive as to whether the variant alters gene splicing. In the absence of RNA/functional studies, the actual effect of this sequence change is unknown.

Labcorp Genetics (formerly Invitae), Labcorp
Classification: Uncertain significance. Last evaluated: 2025-01-15. Review status: criteria provided, single submitter. Criteria: Invitae Variant Classification Sherloc (09022015). Collection method: clinical testing. Allele origin: germline.
Comment: This sequence change replaces arginine, which is basic and polar, with tryptophan, which is neutral and slightly polar, at codon 116 of the COQ6 protein (p.Arg116Trp). This variant is present in population databases (rs148540645, gnomAD 0.04%). This variant has not been reported in the literature in individuals affected with COQ6-related conditions. ClinVar contains an entry for this variant (Variation ID: 1416161). Invitae Evidence Modeling of protein sequence and biophysical properties (such as structural, functional, and spatial information, amino acid conservation, physicochemical variation, residue mobility, and thermodynamic stability) has been performed for this missense variant. However, the output from this modeling did not meet the statistical confidence thresholds required to predict the impact of this variant on COQ6 protein function. Algorithms developed to predict the effect of sequence changes on RNA splicing suggest that this variant may disrupt the consensus splice site. In summary, the available evidence is currently insufficient to determine the role of this variant in disease. Therefore, it has been classified as a Variant of Uncertain Significance.

Fulgent Genetics
Classification: Likely benign for Familial steroid-resistant nephrotic syndrome with sensorineural deafness. Last evaluated: 2024-03-27. Review status: criteria provided, single submitter. Criteria: ACMG Guidelines, 2015. Collection method: clinical testing. Allele origin: germline.

Department of Pathology and Laboratory Medicine, Sinai Health System
Classification: Uncertain significance for familial steroid-resistant nephrotic syndrome with sensorineural deafness. Last evaluated: 2022-02-25. Review status: criteria provided, single submitter. Criteria: ACMG Guidelines, 2015. Collection method: research. Allele origin: germline.

NM_182476.3(COQ6):c.346C>T (p.Arg116Trp)

Genes: COQ6 (coenzyme Q6, monooxygenase; plus strand), ENTPD5 (ectonucleoside triphosphate diphosphohydrolase 5; minus strand). Cytogenetic location: 14q24.3.
Variant type: single nucleotide variant.
Coding change: c.346C>T on transcript NM_182476.3 (MANE Select); coding-DNA position 346, C replaced by T.
Protein change: p.Arg116Trp; replaces arginine 116 with tryptophan.
Molecular consequence: missense variant. On other transcripts: 5 prime UTR variant (1), 3 prime UTR variant (2), intron variant (5).
Genome position (GRCh38, 1-based): chr14:73,955,498, C>T. VCF-style: chr14-73955498-C-T. GRCh37 (hg19) VCF-style: chr14-74422201-C-T.
Other names: p.Arg116Trp; c.346C>T, p.Arg116Trp (NM_001425255.1, NM_001425256.1, NM_001425262.1); c.271C>T, p.Arg91Trp (NM_001425258.1, NM_182480.3); c.19C>T, p.Arg7Trp (NM_001425263.1); c.-64C>T (NM_001425265.1); c.*57G>A (NM_001382258.1); c.*322G>A (NM_001382262.1); c.133-307C>T (NM_001425259.1, NM_001425261.1, NM_001425260.1); and 2 more; short protein forms R91W, R116W.
Identifiers: ClinVar variation 1416161 (VCV001416161.12), dbSNP rs148540645, ClinGen allele CA7264125.